The following is an entry in ClinVar:

ClinVar aggregate classification (germline): Benign/Likely benign. Review status: criteria provided, multiple submitters, no conflicts (2 of 4 stars). 4 submissions from 4 submitters: Benign (3); Likely benign (1). Last evaluated 2026-01-27.

Conditions:
Osteogenesis imperfecta (OI). Identifiers: Orphanet 666, MedGen C0029434, MeSH D010013, MONDO:0019019.

Allele frequency attached by ClinVar (database versions not stated): 1000 Genomes Project 0.00260; 1000 Genomes Project 30x 0.00265; gnomAD 0.00805 and 0.00832; TOPMed 0.00820; gnomAD exomes 0.00966 and 0.01074; ESP Exome Variant Server 0.01000; ExAC 0.01001.
gnomAD v4.1: 16,931 of 1,613,922 alleles (1%); highest among the groups gnomAD compares: Non-Finnish European, 1.2%; 131 homozygotes.

Submissions (4):

Labcorp Genetics (formerly Invitae), Labcorp
Classification: Benign. Last evaluated: 2026-01-27. Review status: criteria provided, single submitter. Criteria: Invitae Variant Classification Sherloc (09022015). Collection method: clinical testing. Allele origin: germline.

Mayo Clinic Laboratories, Mayo Clinic
Classification: Benign. Last evaluated: 2023-07-07. Review status: criteria provided, single submitter. Criteria: ACMG Guidelines, 2015. Collection method: clinical testing. Allele origin: germline. Observed: 5 variant alleles.
Comment: BS1, BS2, BP4, BP7

Genome Diagnostics Laboratory, The Hospital for Sick Children
Classification: Likely benign for Osteogenesis imperfecta. Last evaluated: 2022-02-23. Review status: criteria provided, single submitter. Criteria: ACMG Guidelines, 2015. Collection method: clinical testing. Allele origin: germline.

Breakthrough Genomics
Classification: Benign. Review status: criteria provided, single submitter. Criteria: ACMG Guidelines, 2015. Collection method: not provided. Allele origin: germline. Inheritance: Autosomal recessive inheritance. Affected: yes.

NM_022167.4(XYLT2):c.1089-9T>C

Gene: XYLT2 (xylosyltransferase 2; plus strand). Cytogenetic location: 17q21.33.
Variant type: single nucleotide variant.
Coding change: c.1089-9T>C on transcript NM_022167.4 (MANE Select); 9 bases into the intron before coding-DNA position 1089, T replaced by C.
Molecular consequence: intron variant.
Genome position (GRCh38, 1-based): chr17:50,355,772, T>C. VCF-style: chr17-50355772-T-C. GRCh37 (hg19) VCF-style: chr17-48433133-T-C.
Other names: p.?.
Identifiers: ClinVar variation 1585803 (VCV001585803.13), dbSNP rs193124050, ClinGen allele CA8646375.